The following is an entry in ClinVar:

ClinVar aggregate classification (germline): Conflicting classifications of pathogenicity. Review status: criteria provided, conflicting classifications (1 of 4 stars). 7 submissions from 7 submitters: Uncertain significance (1); Benign (3); Likely benign (3). Last evaluated 2025-12-29.

Conditions:
Muscular dystrophy-dystroglycanopathy (congenital with brain and eye anomalies), type a, 8 (MDDGA8). Also called: WALKER-WARBURG SYNDROME OR MUSCLE-EYE-BRAIN DISEASE, GTDC2-RELATED. Identifiers: Orphanet 899, MedGen C3553813, MONDO:0013904, OMIM 614830.

Allele frequency attached by ClinVar (database versions not stated): gnomAD exomes 0.00021 and 0.00067; ExAC 0.00087; ESP Exome Variant Server 0.00223; gnomAD 0.00240 and 0.00248; TOPMed 0.00284; 1000 Genomes Project 0.00319; 1000 Genomes Project 30x 0.00375.
gnomAD v4.1: 682 of 1,614,202 alleles (0.042%); highest among the groups gnomAD compares: African/African-American, 0.84%; 5 homozygotes.

Submissions (7):

Labcorp Genetics (formerly Invitae), Labcorp
Classification: Benign for Muscular dystrophy-dystroglycanopathy (congenital with brain and eye anomalies), type a, 8. Last evaluated: 2025-12-29. Review status: criteria provided, single submitter. Criteria: Invitae Variant Classification Sherloc (09022015). Collection method: clinical testing. Allele origin: germline.

Blueprint Genetics
Classification: Likely benign. Last evaluated: 2024-11-26. Review status: criteria provided, single submitter. Criteria: ACMG Guidelines, 2015. Collection method: clinical testing. Allele origin: germline.

Mayo Clinic Laboratories, Mayo Clinic
Classification: Benign. Last evaluated: 2024-03-05. Review status: criteria provided, single submitter. Criteria: ACMG Guidelines, 2015. Collection method: clinical testing. Allele origin: germline. Observed: 2 variant alleles.
Comment: BS1, BS2, BP4, BP7

CeGaT Center for Human Genetics Tuebingen
Classification: Likely benign. Last evaluated: 2022-04-01. Review status: criteria provided, single submitter. Criteria: CeGaT Center For Human Genetics Tuebingen Variant Classification Criteria Version 2. Collection method: clinical testing. Allele origin: germline. Affected: yes. Observed: 1 variant allele.
Comment: POMGNT2: BP4, BP7

GeneDx
Classification: Likely benign. Last evaluated: 2021-04-16. Review status: criteria provided, single submitter. Criteria: GeneDx Variant Classification Process June 2021. Collection method: clinical testing. Allele origin: germline. Affected: yes.

Athena Diagnostics
Classification: Benign. Last evaluated: 2019-05-03. Review status: criteria provided, single submitter. Criteria: Athena Diagnostics Criteria. Collection method: clinical testing. Allele origin: germline.

Genetic Services Laboratory, University of Chicago
Classification: Uncertain significance. Last evaluated: 2016-08-10. Review status: criteria provided, single submitter. Criteria: ACMG Guidelines, 2015. Collection method: clinical testing. Allele origin: germline. Affected: no.

NM_032806.6(POMGNT2):c.450A>G (p.Pro150=)

Gene: POMGNT2 (protein O-linked mannose N-acetylglucosaminyltransferase 2 (beta 1,4-); minus strand). Cytogenetic location: 3p22.1.
Variant type: single nucleotide variant.
Coding change: c.450A>G on transcript NM_032806.6 (MANE Select); coding-DNA position 450, A replaced by G.
Protein change: p.Pro150=; no amino-acid change (proline 150 retained).
Molecular consequence: synonymous variant.
Genome position (GRCh38, 1-based): chr3:43,080,982, T>C on the plus strand (A>G on the coding strand, the complement: POMGNT2 is on the minus strand). VCF-style: chr3-43080982-T-C. GRCh37 (hg19) VCF-style: chr3-43122474-T-C.
Other names: p.Pro150=.
Identifiers: ClinVar variation 382924 (VCV000382924.43), dbSNP rs142190930, ClinGen allele CA2340077.